The following is an entry in ClinVar:

NM_000051.4(ATM):c.3871C>T (p.Leu1291Phe)

Gene: ATM (ATM serine/threonine kinase; plus strand). Cytogenetic location: 11q22.3.
Variant type: single nucleotide variant.
Coding change: c.3871C>T on transcript NM_000051.4 (MANE Select); coding-DNA position 3871, C replaced by T.
Protein change: p.Leu1291Phe; replaces leucine 1291 with phenylalanine.
Molecular consequence: missense variant.
Genome position (GRCh38, 1-based): chr11:108,284,351, C>T. VCF-style: chr11-108284351-C-T. GRCh37 (hg19) VCF-style: chr11-108155078-C-T.
Other names: c.3871C>T, p.Leu1291Phe (NM_001351834.2); short protein forms L1291F.
Identifiers: ClinVar variation 3233184 (VCV003233184.1), dbSNP rs2135707210, ClinGen allele CA382525370.

ClinVar aggregate classification (germline): Uncertain significance (1 of 4 stars; one submission).

Conditions:
Hereditary cancer-predisposing syndrome. Also called: Neoplastic Syndromes, Hereditary; Tumor predisposition; Hereditary neoplastic syndrome; Hereditary Cancer Syndrome. Identifiers: Orphanet 140162, MedGen C0027672, MeSH D009386, MONDO:0015356.

Submission:

Ambry Genetics
Classification: Uncertain significance for Hereditary cancer-predisposing syndrome. Last evaluated: 2023-10-24. Review status: criteria provided, single submitter. Criteria: Ambry Variant Classification Scheme 2023. Collection method: clinical testing. Allele origin: germline.
Comment: The p.L1291F variant (also known as c.3871C>T), located in coding exon 25 of the ATM gene, results from a C to T substitution at nucleotide position 3871. The leucine at codon 1291 is replaced by phenylalanine, an amino acid with highly similar properties. This amino acid position is well conserved in available vertebrate species. In addition, this alteration is predicted to be tolerated by in silico analysis. Since supporting evidence is limited at this time, the clinical significance of this alteration remains unclear.